The following is an entry in ClinVar:

ClinVar aggregate classification (germline): Benign/Likely benign. Review status: criteria provided, multiple submitters, no conflicts (2 of 4 stars). 3 submissions from 3 submitters: Benign (1); Likely benign (2). Last evaluated 2025-05-24.

Conditions:
Hereditary cancer-predisposing syndrome. Also called: Neoplastic Syndromes, Hereditary; Tumor predisposition; Hereditary Cancer Syndrome; Hereditary neoplastic syndrome. Identifiers: Orphanet 140162, MedGen C0027672, MeSH D009386, MONDO:0015356.
Familial cancer of breast. Also called: Hereditary breast cancer; hereditary breast carcinoma; BREAST CANCER, FAMILIAL. Identifiers: Orphanet 227535, MedGen C0346153, MONDO:0016419, OMIM 114480. Disease mechanism: loss of function.
Ataxia-telangiectasia syndrome (AT). Also called: Ataxia telangiectasia (A-T); ATAXIA-TELANGIECTASIA, COMPLEMENTATION GROUP A; ATAXIA-TELANGIECTASIA, FRESNO VARIANT; Ataxia-telangiectasia; Ataxia-telangiectasia, complementation group E; LOUIS-BAR SYNDROME. Identifiers: Orphanet 100, MedGen C0004135, MONDO:0008840, OMIM 208900.

gnomAD v4.1: 1 of 1,613,978 alleles (0.000062%); highest among the groups gnomAD compares: South Asian, 0.0011%; no homozygotes.

Submissions (3):

Ambry Genetics
Classification: Likely benign for Hereditary cancer-predisposing syndrome. Last evaluated: 2025-05-24. Review status: criteria provided, single submitter. Criteria: Ambry Variant Classification Scheme 2023. Collection method: clinical testing. Allele origin: germline.

Myriad Genetics, Inc.
Classification: Benign for Familial cancer of breast. Last evaluated: 2024-06-12. Review status: criteria provided, single submitter. Criteria: Myriad Autosomal Dominant, Autosomal Recessive and X-Linked Classification Criteria (2023). Collection method: clinical testing. Allele origin: unknown.
Comment: This variant is considered benign. This variant is a silent/synonymous amino acid change and it is not expected to impact splicing.

Labcorp Genetics (formerly Invitae), Labcorp
Classification: Likely benign for Ataxia-telangiectasia syndrome. Last evaluated: 2024-06-04. Review status: criteria provided, single submitter. Criteria: Invitae Variant Classification Sherloc (09022015). Collection method: clinical testing. Allele origin: germline.

NM_000051.4(ATM):c.7044G>T (p.Thr2348=)

Genes: C11orf65 (chromosome 11 open reading frame 65; minus strand), ATM (ATM serine/threonine kinase; plus strand). Cytogenetic location: 11q22.3.
Variant type: single nucleotide variant.
Coding change: c.7044G>T on transcript NM_000051.4 (MANE Select); coding-DNA position 7044, G replaced by T.
Protein change: p.Thr2348=; no amino-acid change (threonine 2348 retained).
Molecular consequence: synonymous variant. On other transcripts: intron variant (2).
Genome position (GRCh38, 1-based): chr11:108,327,713, G>T. VCF-style: chr11-108327713-G-T. GRCh37 (hg19) VCF-style: chr11-108198440-G-T.
Other names: c.7044G>T, p.Thr2348= (NM_001351834.2); c.641-18642C>A (NM_001330368.2); c.*38+7507C>A (NM_001351110.2).
Identifiers: ClinVar variation 1082045 (VCV001082045.49), dbSNP rs140104789, ClinGen allele CA476676475.